The following is an entry in ClinVar:

ClinVar aggregate classification (germline): Uncertain significance. Review status: criteria provided, multiple submitters, no conflicts (2 of 4 stars). 3 submissions from 3 submitters: Uncertain significance (3). Last evaluated 2025-08-06.

Conditions:
Inborn genetic diseases. Identifiers: MedGen C0950123, MeSH D030342.

Allele frequency attached by ClinVar (database versions not stated): TOPMed 0.00001; gnomAD exomes 0.00002.
gnomAD v4.1: 19 of 1,210,446 alleles (0.0016%); highest among the groups gnomAD compares: East Asian, 0.003%; no homozygotes.

Submissions (3):

Ambry Genetics
Classification: Uncertain significance for Inborn genetic diseases. Last evaluated: 2025-08-06. Review status: criteria provided, single submitter. Criteria: Ambry Variant Classification Scheme 2023. Collection method: clinical testing. Allele origin: germline.

Labcorp Genetics (formerly Invitae), Labcorp
Classification: Uncertain significance. Last evaluated: 2023-04-27. Review status: criteria provided, single submitter. Criteria: Invitae Variant Classification Sherloc (09022015). Collection method: clinical testing. Allele origin: germline.
Comment: In summary, the available evidence is currently insufficient to determine the role of this variant in disease. Therefore, it has been classified as a Variant of Uncertain Significance. Advanced modeling of protein sequence and biophysical properties (such as structural, functional, and spatial information, amino acid conservation, physicochemical variation, residue mobility, and thermodynamic stability) performed at Invitae indicates that this missense variant is not expected to disrupt GRIA3 protein function. ClinVar contains an entry for this variant (Variation ID: 994890). This variant has not been reported in the literature in individuals affected with GRIA3-related conditions. This variant is not present in population databases (gnomAD no frequency). This sequence change replaces arginine, which is basic and polar, with glutamine, which is neutral and polar, at codon 851 of the GRIA3 protein (p.Arg851Gln).

Athena Diagnostics
Classification: Uncertain significance. Last evaluated: 2019-09-30. Review status: criteria provided, single submitter. Criteria: Athena Diagnostics Criteria. Collection method: clinical testing. Allele origin: unknown.

NM_007325.5(GRIA3):c.2552G>A (p.Arg851Gln)

Gene: GRIA3 (glutamate ionotropic receptor AMPA type subunit 3; plus strand). Cytogenetic location: Xq25.
Variant type: single nucleotide variant.
Coding change: c.2552G>A on transcript NM_007325.5 (MANE Select); coding-DNA position 2552, G replaced by A.
Protein change: p.Arg851Gln; replaces arginine 851 with glutamine.
Molecular consequence: missense variant.
Genome position (GRCh38, 1-based): chrX:123,482,911, G>A. VCF-style: chrX-123482911-G-A. GRCh37 (hg19) VCF-style: chrX-122616762-G-A.
Other names: c.2552G>A, p.Arg851Gln (NM_000828.5); short protein forms R851Q.
Identifiers: ClinVar variation 994890 (VCV000994890.6), dbSNP rs1395100721, ClinGen allele CA414256005.